The following is an entry in ClinVar:

NM_017534.6(MYH2):c.455C>T (p.Pro152Leu)

Genes: MYH2 (myosin heavy chain 2; minus strand), MYHAS (myosin heavy chain gene cluster antisense RNA; plus strand). Cytogenetic location: 17p13.1.
Variant type: single nucleotide variant.
Coding change: c.455C>T on transcript NM_017534.6 (MANE Select); coding-DNA position 455, C replaced by T.
Protein change: p.Pro152Leu; replaces proline 152 with leucine.
Molecular consequence: missense variant.
Genome position (GRCh38, 1-based): chr17:10,545,396, G>A on the plus strand (C>T on the coding strand, the complement: MYH2 is on the minus strand). VCF-style: chr17-10545396-G-A. GRCh37 (hg19) VCF-style: chr17-10448713-G-A.
Other names: c.455C>T, p.Pro152Leu (NM_001100112.2); short protein forms P152L.
Identifiers: ClinVar variation 1921419 (VCV001921419.5), dbSNP rs2508473883, ClinGen allele CA398170814.

ClinVar aggregate classification (germline): Uncertain significance (1 of 4 stars; one submission).

Conditions:
Myopathy, proximal, and ophthalmoplegia (CMYO6). Also called: MYOPATHY WITH CONGENITAL JOINT CONTRACTURES, OPHTHALMOPLEGIA, AND RIMMED VACUOLES; CONGENITAL MYOPATHY 6 WITH OPHTHALMOPLEGIA; INCLUSION BODY MYOPATHY 3, AUTOSOMAL DOMINANT. Identifiers: Orphanet 363677, Orphanet 79091, MedGen C1854106, MONDO:0011577, OMIM 605637.

Allele frequency attached by ClinVar (database versions not stated): gnomAD exomes below 0.00001.
gnomAD v4.1: 1 of 1,614,076 alleles (0.000062%); highest among the groups gnomAD compares: Non-Finnish European, 0.000085%; no homozygotes.

Submission:

Labcorp Genetics (formerly Invitae), Labcorp
Classification: Uncertain significance for Myopathy, proximal, and ophthalmoplegia. Last evaluated: 2023-04-24. Review status: criteria provided, single submitter. Criteria: Invitae Variant Classification Sherloc (09022015). Collection method: clinical testing. Allele origin: germline.
Comment: This variant is not present in population databases (gnomAD no frequency). This variant has not been reported in the literature in individuals affected with MYH2-related conditions. ClinVar contains an entry for this variant (Variation ID: 1921419). This sequence change replaces proline, which is neutral and non-polar, with leucine, which is neutral and non-polar, at codon 152 of the MYH2 protein (p.Pro152Leu). Advanced modeling of protein sequence and biophysical properties (such as structural, functional, and spatial information, amino acid conservation, physicochemical variation, residue mobility, and thermodynamic stability) performed at Invitae indicates that this missense variant is expected to disrupt MYH2 protein function. In summary, the available evidence is currently insufficient to determine the role of this variant in disease. Therefore, it has been classified as a Variant of Uncertain Significance.